The following is an entry in ClinVar:

NM_000083.3(CLCN1):c.892G>A (p.Ala298Thr)

Gene: CLCN1 (chloride voltage-gated channel 1; plus strand). Cytogenetic location: 7q34.
Variant type: single nucleotide variant.
Coding change: c.892G>A on transcript NM_000083.3 (MANE Select); coding-DNA position 892, G replaced by A.
Protein change: p.Ala298Thr; replaces alanine 298 with threonine.
Molecular consequence: missense variant. On other transcripts: non-coding transcript variant (1).
Genome position (GRCh38, 1-based): chr7:143,330,810, G>A. VCF-style: chr7-143330810-G-A. GRCh37 (hg19) VCF-style: chr7-143027903-G-A.
Other names: short protein forms A298T.
Identifiers: ClinVar variation 531747 (VCV000531747.17), dbSNP rs764100025, ClinGen allele CA4537170.

ClinVar aggregate classification (germline): Pathogenic/Likely pathogenic. Review status: criteria provided, multiple submitters, no conflicts (2 of 4 stars). 8 submissions from 7 submitters: Pathogenic (5); Likely pathogenic (1). 2 of the submissions do not count toward it. Last evaluated 2025-11-04.

Conditions:
Congenital myotonia, autosomal recessive form. Also called: myotonia congenita, autosomal recessive; Becker Generalized Myotonia; BECKER DISEASE. Identifiers: Orphanet 614, MedGen C0751360, MONDO:0009715, OMIM 255700.
Congenital myotonia, autosomal dominant form (THD). Also called: THOMSEN DISEASE; Myotonia congenita autosomal dominant. Identifiers: Orphanet 614, MedGen C2936781, MONDO:0008055, OMIM 160800.

Allele frequency attached by ClinVar (database versions not stated): TOPMed below 0.00001; gnomAD exomes 0.00001 and 0.00002; ExAC 0.00002.
gnomAD v4.1: 8 of 1,614,206 alleles (0.0005%); highest among the groups gnomAD compares: East Asian, 0.016%; no homozygotes.

Submissions (8):

Labcorp Genetics (formerly Invitae), Labcorp
Classification: Pathogenic for Congenital myotonia, autosomal recessive form; Congenital myotonia, autosomal dominant form. Last evaluated: 2025-11-04. Review status: criteria provided, single submitter. Criteria: Invitae Variant Classification Sherloc (09022015). Collection method: clinical testing. Allele origin: germline.
Comment: This sequence change replaces alanine, which is neutral and non-polar, with threonine, which is neutral and polar, at codon 298 of the CLCN1 protein (p.Ala298Thr). This variant is present in population databases (rs764100025, gnomAD 0.01%). This missense change has been observed in individuals with autosomal dominant myotonia congenita (MC) (PMID: 21045501, 27118449, 27415035, 28706458). It has also been observed to segregate with disease in related individuals. ClinVar contains an entry for this variant (Variation ID: 531747). Invitae Evidence Modeling of protein sequence and biophysical properties (such as structural, functional, and spatial information, amino acid conservation, physicochemical variation, residue mobility, and thermodynamic stability) indicates that this missense variant is expected to disrupt CLCN1 protein function with a positive predictive value of 80%. Experimental studies have shown that this missense change affects CLCN1 function (PMID: 28706458). For these reasons, this variant has been classified as Pathogenic.

Women's Health and Genetics/Laboratory Corporation of America, LabCorp
Classification: Pathogenic for Congenital myotonia, autosomal dominant form. Last evaluated: 2024-08-05. Review status: criteria provided, single submitter. Criteria: LabCorp Variant Classification Summary - May 2015. Collection method: clinical testing. Allele origin: germline.
Comment: Variant summary: CLCN1 c.892G>A (p.Ala298Thr) results in a non-conservative amino acid change in the encoded protein sequence. Five of five in-silico tools predict a damaging effect of the variant on protein function. The variant allele was found at a frequency of 1.6e-05 in 251390 control chromosomes. c.892G>A has been reported in the literature in in the heterozygous and compound heterozygous states in multiple individuals affected with autosomal dominant and autosomal recessive myotonia congenita and segregated with disease in at least two families (e.g. Yang_2017, Chin_2017, Sasaki_2020, Meng_2016). These data indicate that the variant is very likely to be associated with disease. At least one publication reports experimental evidence that this variant results in reduced chloride current density and altered channel gating compared to wildtype in vitro (e.g. Chin_2017). The following publications have been ascertained in the context of this evaluation (PMID: 28706458, 27118449, 32660787, 27415035). ClinVar contains an entry for this variant (Variation ID: 531747). Based on the evidence outlined above, the variant was classified as pathogenic.

Mayo Clinic Laboratories, Mayo Clinic
Classification: Pathogenic. Last evaluated: 2024-04-08. Review status: criteria provided, single submitter. Criteria: ACMG Guidelines, 2015. Collection method: clinical testing. Allele origin: germline. Observed: 1 variant allele.
Comment: PP1_strong, PP3, PM1, PS3_moderate, PS4_moderate

Athena Diagnostics
Classification: Pathogenic. Last evaluated: 2021-08-18. Review status: criteria provided, single submitter. Criteria: Athena Diagnostics Criteria. Collection method: clinical testing. Allele origin: unknown.
Comment: The frequency of this variant in the general population is consistent with pathogenicity. This variant has been reported as autosomal dominant myotonia congenita (PMID: 27415035, 21045501), and has also been reported as autosomal recessive myotonia congenita (PMID: 27118449). This variant segregates with disease in at least one family. Assessment of experimental evidence suggests this variant results in abnormal protein function. Study shows this variant results in altered channel properties (PMID:28706458).

Molecular Diagnostics Laboratory, M Health Fairview: University of Minnesota
Classification: Likely pathogenic for Congenital myotonia, autosomal dominant form. Last evaluated: 2016-06-20. Review status: criteria provided, single submitter. Criteria: ACMG Guidelines, 2015. Collection method: clinical testing. Allele origin: germline. Affected: yes. Observed: 1 variant allele.

Juno Genomics, Hangzhou Juno Genomics, Inc
Classification: Pathogenic for Congenital myotonia, autosomal dominant form; Congenital myotonia, autosomal recessive form. Review status: criteria provided, single submitter. Criteria: ACMG Guidelines, 2015. Collection method: clinical testing. Allele origin: germline.
Comment: Absent from controls (or at extremely low frequency if recessive) in Genome Aggregation Database.;The prevalence of the variant in affected individuals is significantly increased compared to the prevalence in controls.;For recessive disorders, detected in trans with a pathogenic variant.;Patient's phenotype or family history is highly specific for a disease with a single genetic etiology.;Co-segregation with disease in multiple affected family members.;Well-established in vitro or in vivo functional studies supportive of a damaging effect on the gene or gene product.

Department of Neurology and Geriatrics, Kagoshima University Graduate School of Medical and Dental Sciences
Classification: Pathogenic for Congenital myotonia, autosomal recessive form. Last evaluated: 2022-04-06. Review status: no assertion criteria provided. Collection method: research. Allele origin: germline. Affected: yes. Not counted in ClinVar's aggregate classification.

Department of Neurology and Geriatrics, Kagoshima University Graduate School of Medical and Dental Sciences
Classification: Pathogenic for Congenital myotonia, autosomal dominant form. Last evaluated: 2022-04-06. Review status: no assertion criteria provided. Collection method: research. Allele origin: germline. Affected: yes. Not counted in ClinVar's aggregate classification.

Literature cited by the submitters: PubMed 21045501 (cited by 4 submitters); PubMed 27118449 (cited by 3 submitters); PubMed 27415035 (cited by 4 submitters); PubMed 28706458 (cited by 4 submitters); PubMed 32660787 (cited by Women's Health and Genetics/Laboratory Corporation of America, LabCorp and Mayo Clinic Laboratories, Mayo Clinic); PubMed 17932099 (cited by Mayo Clinic Laboratories, Mayo Clinic); PubMed 34790634 (cited by Mayo Clinic Laboratories, Mayo Clinic); PubMed 35350395 (cited by Mayo Clinic Laboratories, Mayo Clinic); PubMed 35907044 (cited by Mayo Clinic Laboratories, Mayo Clinic).